The following is an entry in ClinVar:

ClinVar aggregate classification (germline): Uncertain significance (1 of 4 stars; one submission).

Conditions:
Werner syndrome (WRN). Identifiers: Orphanet 902, MedGen C0043119, MONDO:0010196, OMIM 277700.

Submission:

Labcorp Genetics (formerly Invitae), Labcorp
Classification: Uncertain significance for Werner syndrome. Last evaluated: 2020-01-31. Review status: criteria provided, single submitter. Criteria: Invitae Variant Classification Sherloc (09022015). Collection method: clinical testing. Allele origin: germline.
Comment: Algorithms developed to predict the effect of missense changes on protein structure and function output the following: SIFT: "Not Available"; PolyPhen-2: "Possibly Damaging"; Align-GVGD: "Not Available". The serine amino acid residue is found in multiple mammalian species, suggesting that this missense change does not adversely affect protein function. These predictions have not been confirmed by published functional studies and their clinical significance is uncertain. This sequence change replaces arginine with serine at codon 280 of the WRN protein (p.Arg280Ser). The arginine residue is moderately conserved and there is a moderate physicochemical difference between arginine and serine. This variant is not present in population databases (ExAC no frequency). This variant has not been reported in the literature in individuals with WRN-related conditions. In summary, the available evidence is currently insufficient to determine the role of this variant in disease. Therefore, it has been classified as a Variant of Uncertain Significance.

NM_000553.6(WRN):c.840G>C (p.Arg280Ser)

Gene: WRN (WRN RecQ like helicase; plus strand). Cytogenetic location: 8p12.
Variant type: single nucleotide variant.
Coding change: c.840G>C on transcript NM_000553.6 (MANE Select); coding-DNA position 840, G replaced by C.
Protein change: p.Arg280Ser; replaces arginine 280 with serine.
Molecular consequence: missense variant.
Genome position (GRCh38, 1-based): chr8:31,080,867, G>C. VCF-style: chr8-31080867-G-C. GRCh37 (hg19) VCF-style: chr8-30938383-G-C.
Other names: short protein forms R280S.
Identifiers: ClinVar variation 1038123 (VCV001038123.3), dbSNP rs1408343355, ClinGen allele CA370919579.